The following is an entry in ClinVar:

NM_177438.3(DICER1):c.4252G>C (p.Glu1418Gln)

Gene: DICER1 (dicer 1, ribonuclease III; minus strand). Cytogenetic location: 14q32.13.
Variant type: single nucleotide variant.
Coding change: c.4252G>C on transcript NM_177438.3 (MANE Select); coding-DNA position 4252, G replaced by C.
Protein change: p.Glu1418Gln; replaces glutamic acid 1418 with glutamine.
Molecular consequence: missense variant. On other transcripts: non-coding transcript variant (6).
Genome position (GRCh38, 1-based): chr14:95,096,668, C>G on the plus strand (G>C on the coding strand, the complement: DICER1 is on the minus strand). VCF-style: chr14-95096668-C-G. GRCh37 (hg19) VCF-style: chr14-95563005-C-G.
Other names: c.4252G>C, p.Glu1418Gln (NM_001195573.1, NM_001395678.1, NM_001271282.3 and 13 more transcripts); c.3970G>C, p.Glu1324Gln (NM_001395686.1); c.3847G>C, p.Glu1283Gln (NM_001395687.1, NM_001395688.1, NM_001395689.1 and 2 more transcripts); c.3685G>C, p.Glu1229Gln (NM_001395691.1); c.2569G>C, p.Glu857Gln (NM_001395697.1); short protein forms E1229Q, E1418Q, E857Q, E1283Q, E1324Q.
Identifiers: ClinVar variation 1739103 (VCV001739103.2), dbSNP rs1421729263, ClinGen allele CA390869700.

ClinVar aggregate classification (germline): Uncertain significance (1 of 4 stars; one submission).

Conditions:
Hereditary cancer-predisposing syndrome. Also called: Hereditary Cancer Syndrome; Hereditary neoplastic syndrome; Neoplastic Syndromes, Hereditary; Tumor predisposition. Identifiers: Orphanet 140162, MedGen C0027672, MeSH D009386, MONDO:0015356.

Submission:

Ambry Genetics
Classification: Uncertain significance for Hereditary cancer-predisposing syndrome. Last evaluated: 2022-03-19. Review status: criteria provided, single submitter. Criteria: Ambry Variant Classification Scheme 2023. Collection method: clinical testing. Allele origin: germline.
Comment: The p.E1418Q variant (also known as c.4252G>C), located in coding exon 22 of the DICER1 gene, results from a G to C substitution at nucleotide position 4252. The glutamic acid at codon 1418 is replaced by glutamine, an amino acid with highly similar properties. This amino acid position is conserved. In addition, this alteration is predicted to be tolerated by in silico analysis. Since supporting evidence is limited at this time, the clinical significance of this alteration remains unclear.